The following is an entry in ClinVar:

ClinVar aggregate classification (germline): Uncertain significance (1 of 4 stars; one submission).

Conditions:
Cardiovascular phenotype. Identifiers: MedGen CN230736.

Submission:

Ambry Genetics
Classification: Uncertain significance for Cardiovascular phenotype. Last evaluated: 2025-02-15. Review status: criteria provided, single submitter. Criteria: Ambry Variant Classification Scheme 2023. Collection method: clinical testing. Allele origin: germline.
Comment: The p.E526G variant (also known as c.1577A>G), located in coding exon 12 of the MYH6 gene, results from an A to G substitution at nucleotide position 1577. The glutamic acid at codon 526 is replaced by glycine, an amino acid with similar properties. This amino acid position is conserved. In addition, this alteration is predicted to be deleterious by in silico analysis. Based on the available evidence, the clinical significance of this variant remains unclear.

NM_002471.4(MYH6):c.1577A>G (p.Glu526Gly)

Gene: MYH6 (myosin heavy chain 6; minus strand). Cytogenetic location: 14q11.2.
Variant type: single nucleotide variant.
Coding change: c.1577A>G on transcript NM_002471.4 (MANE Select); coding-DNA position 1577, A replaced by G.
Protein change: p.Glu526Gly; replaces glutamic acid 526 with glycine.
Molecular consequence: missense variant.
Genome position (GRCh38, 1-based): chr14:23,400,260, T>C on the plus strand (A>G on the coding strand, the complement: MYH6 is on the minus strand). VCF-style: chr14-23400260-T-C. GRCh37 (hg19) VCF-style: chr14-23869469-T-C.
Other names: short protein forms E526G.
Identifiers: ClinVar variation 3876457 (VCV003876457.1).
Genomic context (GRCh38, chr14:23,400,260, plus strand): 5'-ACCACTTTGTCTGGATGGCAGAGGAGGGGGCATAGGTGGTGAGGCCAAGGAGGCACCTTC[T>C]CGATGAGGTCAATGCAGGCCTGCAGGTCCATGCCAAAGTCAATGAATGTCCACTCAATGC-3'
Protein context (NP_002462.2, residues 516-536): MDLQACIDLI[Glu526Gly]KPMGIMSILE